The following is an entry in ClinVar:

NM_002017.5(FLI1):c.551C>T (p.Thr184Met)

Gene: FLI1 (Fli-1 proto-oncogene, ETS transcription factor; plus strand). Cytogenetic location: 11q24.3.
Variant type: single nucleotide variant.
Coding change: c.551C>T on transcript NM_002017.5 (MANE Select); coding-DNA position 551, C replaced by T.
Protein change: p.Thr184Met; replaces threonine 184 with methionine.
Molecular consequence: missense variant. On other transcripts: intron variant (1).
Genome position (GRCh38, 1-based): chr11:128,772,947, C>T. VCF-style: chr11-128772947-C-T. GRCh37 (hg19) VCF-style: chr11-128642842-C-T.
Other names: c.452C>T, p.Thr151Met (NM_001167681.3); c.353C>T, p.Thr118Met (NM_001271010.2); c.11-9011C>T (NM_001271012.2); short protein forms T118M, T184M, T151M.
Identifiers: ClinVar variation 2406135 (VCV002406135.5), dbSNP rs199855586, ClinGen allele CA6357150.

ClinVar aggregate classification (germline): Uncertain significance. Review status: criteria provided, multiple submitters, no conflicts (2 of 4 stars). 2 submissions from 2 submitters: Uncertain significance (2). Last evaluated 2023-12-14.

Conditions:
Inborn genetic diseases. Identifiers: MedGen C0950123, MeSH D030342.

Allele frequency attached by ClinVar (database versions not stated): ExAC 0.00001; TOPMed 0.00001; gnomAD 0.00002.
gnomAD v4.1: 15 of 1,613,864 alleles (0.00093%); highest among the groups gnomAD compares: Admixed American, 0.0017%; no homozygotes.

Submissions (2):

Labcorp Genetics (formerly Invitae), Labcorp
Classification: Uncertain significance. Last evaluated: 2023-12-14. Review status: criteria provided, single submitter. Criteria: Invitae Variant Classification Sherloc (09022015). Collection method: clinical testing. Allele origin: germline.
Comment: This sequence change replaces threonine, which is neutral and polar, with methionine, which is neutral and non-polar, at codon 184 of the FLI1 protein (p.Thr184Met). This variant is present in population databases (rs199855586, gnomAD 0.003%). This variant has not been reported in the literature in individuals affected with FLI1-related conditions. ClinVar contains an entry for this variant (Variation ID: 2406135). Advanced modeling of protein sequence and biophysical properties (such as structural, functional, and spatial information, amino acid conservation, physicochemical variation, residue mobility, and thermodynamic stability) performed at Invitae indicates that this missense variant is not expected to disrupt FLI1 protein function with a negative predictive value of 80%. In summary, the available evidence is currently insufficient to determine the role of this variant in disease. Therefore, it has been classified as a Variant of Uncertain Significance.

Ambry Genetics
Classification: Uncertain significance for Inborn genetic diseases. Last evaluated: 2022-12-28. Review status: criteria provided, single submitter. Criteria: Ambry Variant Classification Scheme 2023. Collection method: clinical testing. Allele origin: germline.